The following is an entry in ClinVar:

ClinVar aggregate classification (germline): Uncertain significance. Review status: criteria provided, multiple submitters, no conflicts (2 of 4 stars). 2 submissions from 2 submitters: Uncertain significance (2). Last evaluated 2022-11-01.

Conditions:
Autosomal dominant limb-girdle muscular dystrophy type 1G (LGMDD3). Also called: MUSCULAR DYSTROPHY, LIMB-GIRDLE, AUTOSOMAL DOMINANT 3; Limb-girdle muscular dystrophy, type 1G. Identifiers: Orphanet 55596, MedGen C1836765, MONDO:0012193, OMIM 609115.

gnomAD v4.1: 2 of 1,607,280 alleles (0.00012%); highest among the groups gnomAD compares: East Asian, 0.0045%; no homozygotes.

Submissions (2):

Labcorp Genetics (formerly Invitae), Labcorp
Classification: Uncertain significance for Autosomal dominant limb-girdle muscular dystrophy type 1G. Last evaluated: 2022-11-01. Review status: criteria provided, single submitter. Criteria: Invitae Variant Classification Sherloc (09022015). Collection method: clinical testing. Allele origin: germline.
Comment: In summary, the available evidence is currently insufficient to determine the role of this variant in disease. Therefore, it has been classified as a Variant of Uncertain Significance. Algorithms developed to predict the effect of missense changes on protein structure and function are either unavailable or do not agree on the potential impact of this missense change (SIFT: "Deleterious"; PolyPhen-2: "Possibly Damaging"; Align-GVGD: "Class C0"). ClinVar contains an entry for this variant (Variation ID: 1309105). This variant has not been reported in the literature in individuals affected with HNRNPDL-related conditions. This variant is not present in population databases (gnomAD no frequency). This sequence change replaces arginine, which is basic and polar, with tryptophan, which is neutral and slightly polar, at codon 81 of the HNRNPDL protein (p.Arg81Trp).

GeneDx
Classification: Uncertain significance. Last evaluated: 2019-10-16. Review status: criteria provided, single submitter. Criteria: GeneDx Variant Classification Process June 2021. Collection method: clinical testing. Allele origin: germline. Affected: yes.
Comment: Not observed in large population cohorts (Lek et al., 2016); In silico analysis, which includes protein predictors and evolutionary conservation, supports that this variant does not alter protein structure/function; Has not been previously published as pathogenic or benign to our knowledge

NM_031372.4(HNRNPDL):c.241C>T (p.Arg81Trp)

Gene: HNRNPDL (heterogeneous nuclear ribonucleoprotein D like; minus strand). Cytogenetic location: 4q21.22.
Variant type: single nucleotide variant.
Coding change: c.241C>T on transcript NM_031372.4 (MANE Select); coding-DNA position 241, C replaced by T.
Protein change: p.Arg81Trp; replaces arginine 81 with tryptophan.
Molecular consequence: missense variant. On other transcripts: non-coding transcript variant (1).
Genome position (GRCh38, 1-based): chr4:82,429,450, G>A on the plus strand (C>T on the coding strand, the complement: HNRNPDL is on the minus strand). VCF-style: chr4-82429450-G-A. GRCh37 (hg19) VCF-style: chr4-83350603-G-A.
Other names: c.241C>T, p.Arg81Trp (NM_001207000.1); short protein forms R81W.
Identifiers: ClinVar variation 1309105 (VCV001309105.9), dbSNP rs780496008, ClinGen allele CA357172734.